The following is an entry in ClinVar:

NM_153252.5(BRWD3):c.2830G>A (p.Asp944Asn)

Gene: BRWD3 (bromodomain and WD repeat domain containing 3; minus strand). Cytogenetic location: Xq21.1.
Variant type: single nucleotide variant.
Coding change: c.2830G>A on transcript NM_153252.5 (MANE Select); coding-DNA position 2830, G replaced by A.
Protein change: p.Asp944Asn; replaces aspartic acid 944 with asparagine.
Molecular consequence: missense variant.
Genome position (GRCh38, 1-based): chrX:80,703,485, C>T on the plus strand (G>A on the coding strand, the complement: BRWD3 is on the minus strand). VCF-style: chrX-80703485-C-T. GRCh37 (hg19) VCF-style: chrX-79958984-C-T.
Other names: short protein forms D944N.
Identifiers: ClinVar variation 3355257 (VCV003355257.1).

ClinVar aggregate classification (germline): Uncertain significance (0 of 4 stars; one submission).

Conditions:
BRWD3-related disorder. Also called: BRWD3-related condition.

Submission:

PreventionGenetics, part of Exact Sciences
Classification: Uncertain significance for BRWD3-related condition. Last evaluated: 2024-05-23. Review status: no assertion criteria provided. Collection method: clinical testing. Allele origin: germline.
Comment: The BRWD3 c.2830G>A variant is predicted to result in the amino acid substitution p.Asp944Asn. To our knowledge, this variant has not been reported in the literature or in a large population database, indicating this variant is rare. Methylation analysis for this variant, via EpiSign at Greenwood Genetic Center, was consistent with the methylation signature associated with BRWD3 associated X-linked intellectual developmental disorder 93. Although we suspect this variant may be pathogenic, at this time, the clinical significance of this variant is uncertain due to the absence of conclusive functional and genetic evidence.